The following is an entry in ClinVar:

ClinVar aggregate classification (germline): Pathogenic. Review status: criteria provided, single submitter (1 of 4 stars). 2 submissions from 2 submitters: Pathogenic (1). 1 of the submissions does not count toward it. Last evaluated 2023-03-22.

Conditions:
Tay-Sachs disease (TSD). Also called: HEXA DEFICIENCY; GM2 gangliosidosis, type 1; Hexosaminidase alpha-subunit deficiency (variant B); Sphingolipidosis, Tay-Sachs; Hexosaminidase A Deficiency; HEXA Disorders. Identifiers: Orphanet 845, MedGen C0039373, MONDO:0010100, OMIM 272800.

Submissions (2):

Labcorp Genetics (formerly Invitae), Labcorp
Classification: Pathogenic for Tay-Sachs disease. Last evaluated: 2023-03-22. Review status: criteria provided, single submitter. Criteria: Invitae Variant Classification Sherloc (09022015). Collection method: clinical testing. Allele origin: germline.
Comment: For these reasons, this variant has been classified as Pathogenic. ClinVar contains an entry for this variant (Variation ID: 370326). This premature translational stop signal has been observed in individual(s) with Tay-Sachs disease (PMID: 31388111). This variant is not present in population databases (gnomAD no frequency). This sequence change creates a premature translational stop signal (p.Ser9*) in the HEXA gene. It is expected to result in an absent or disrupted protein product. Loss-of-function variants in HEXA are known to be pathogenic (PMID: 1833974, 8490625).

Counsyl
Classification: Likely pathogenic for Tay-Sachs disease. Last evaluated: 2016-01-11. Review status: no assertion criteria provided. Collection method: clinical testing. Allele origin: unknown. Not counted in ClinVar's aggregate classification.

Literature cited by the submitters: PubMed 31388111 (cited by Labcorp Genetics (formerly Invitae), Labcorp); PubMed 1833974 (cited by Labcorp Genetics (formerly Invitae), Labcorp); PubMed 8490625 (cited by Labcorp Genetics (formerly Invitae), Labcorp).

NM_000520.6(HEXA):c.26C>A (p.Ser9Ter)

Gene: HEXA (hexosaminidase subunit alpha; minus strand). Cytogenetic location: 15q23.
Variant type: single nucleotide variant.
Coding change: c.26C>A on transcript NM_000520.6 (MANE Select); coding-DNA position 26, C replaced by A.
Protein change: p.Ser9Ter; replaces serine 9 with a stop codon.
Molecular consequence: nonsense. On other transcripts: non-coding transcript variant (1).
Genome position (GRCh38, 1-based): chr15:72,375,947, G>T on the plus strand (C>A on the coding strand, the complement: HEXA is on the minus strand). VCF-style: chr15-72375947-G-T. GRCh37 (hg19) VCF-style: chr15-72668288-G-T.
Other names: c.26C>A, p.Ser9Ter (NM_001318825.2); short protein forms S9*.
Identifiers: ClinVar variation 370326 (VCV000370326.6), dbSNP rs769370282, ClinGen allele CA16041743.